The following is an entry in ClinVar:

ClinVar aggregate classification (germline): Likely pathogenic (1 of 4 stars; one submission).

Conditions:
X-linked intellectual disability Cabezas type (MRXSC). Also called: CABEZAS SYNDROME; MENTAL RETARDATION, X-LINKED, SYNDROMIC 15; Intellectual developmental disorder, X-linked syndromic, Cabezas type. Identifiers: Orphanet 85289, Orphanet 85293, MedGen C1845861, MONDO:0010306, OMIM 300354.

Submission:

Victorian Clinical Genetics Services, Murdoch Childrens Research Institute
Classification: Likely pathogenic for X-linked intellectual disability Cabezas type. Last evaluated: 2025-12-01. Review status: criteria provided, single submitter. Criteria: ACMG Guidelines, 2015. Collection method: clinical testing. Allele origin: germline. Affected: yes.
Comment: This variant is classified as Likely pathogenic. Evidence in support of pathogenic classification: Splice site variant proven to affect splicing of the transcript with a known effect on protein sequence. RNA splicing studies on this variant demonstrate in-frame skipping of exon 12, p.(Ala546_Tyr580del). An approximately 84-88% reduction in canonical CUL4B exon 11-12 splicing was noted against disease controls (Splicing Diagnostics, Kids Neuroscience Centre, NSW, Australia); Variant is absent from gnomAD (v2, v3 and v4); Additional information: This variant is hemizygous; This gene is associated with X-linked recessive disease; This variant has no previous evidence of pathogenicity; No published segregation evidence has been identified for this variant; No comparable splice variants or in-frame deletions have previous evidence for pathogenicity; Variant is expected to affect the annotated Cullin domain (DECIPHER); Loss of function is a known mechanism of disease in this gene and is associated with intellectual developmental disorder, X-linked syndromic, Cabezas type (MIM#300354).

NM_001079872.2(CUL4B):c.1637-3T>A

Gene: CUL4B (cullin 4B; minus strand). Cytogenetic location: Xq24.
Variant type: single nucleotide variant.
Coding change: c.1637-3T>A on transcript NM_001079872.2 (MANE Select); 3 bases into the intron before coding-DNA position 1637, T replaced by A.
Molecular consequence: intron variant.
Genome position (GRCh38, 1-based): chrX:120,539,375, A>T on the plus strand (T>A on the coding strand, the complement: CUL4B is on the minus strand). VCF-style: chrX-120539375-A-T. GRCh37 (hg19) VCF-style: chrX-119673230-A-T.
Other names: c.1691-3T>A (NM_003588.4); c.1652-3T>A (NM_001330624.2); c.1103-3T>A (NM_001369145.1).
Identifiers: ClinVar variation 3377348 (VCV003377348.1).